The following is an entry in ClinVar:

ClinVar aggregate classification (germline): Likely benign (1 of 4 stars; one submission).

gnomAD v4.1: 1 of 1,614,222 alleles (0.000062%); highest among the groups gnomAD compares: Non-Finnish European, 0.000085%; no homozygotes.

Submission:

CeGaT Center for Human Genetics Tuebingen
Classification: Likely benign. Last evaluated: 2024-09-01. Review status: criteria provided, single submitter. Criteria: CeGaT Center For Human Genetics Tuebingen Variant Classification Criteria Version 2. Collection method: clinical testing. Allele origin: germline. Affected: yes. Observed: 1 variant allele.
Comment: NOTCH2: BP4, BP7

NM_024408.4(NOTCH2):c.2331T>C (p.Asn777=)

Gene: NOTCH2 (notch receptor 2; minus strand). Cytogenetic location: 1p12.
Variant type: single nucleotide variant.
Coding change: c.2331T>C on transcript NM_024408.4 (MANE Select); coding-DNA position 2331, T replaced by C.
Protein change: p.Asn777=; no amino-acid change (asparagine 777 retained).
Molecular consequence: synonymous variant.
Genome position (GRCh38, 1-based): chr1:119,953,577, A>G on the plus strand (T>C on the coding strand, the complement: NOTCH2 is on the minus strand). VCF-style: chr1-119953577-A-G. GRCh37 (hg19) VCF-style: chr1-120496200-A-G.
Other names: c.2331T>C, p.Asn777= (NM_001200001.2).
Identifiers: ClinVar variation 3389219 (VCV003389219.14).